The following is an entry in ClinVar:

NM_201384.3(PLEC):c.11308G>A (p.Gly3770Ser)

Gene: PLEC (plectin; minus strand). Cytogenetic location: 8q24.3.
Variant type: single nucleotide variant.
Coding change: c.11308G>A on transcript NM_201384.3 (MANE Select); coding-DNA position 11308, G replaced by A.
Protein change: p.Gly3770Ser; replaces glycine 3770 with serine.
Molecular consequence: missense variant.
Genome position (GRCh38, 1-based): chr8:143,918,513, C>T on the plus strand (G>A on the coding strand, the complement: PLEC is on the minus strand). VCF-style: chr8-143918513-C-T. GRCh37 (hg19) VCF-style: chr8-144992681-C-T.
Other names: c.11389G>A, p.Gly3797Ser (NM_000445.5); c.11266G>A, p.Gly3756Ser (NM_201378.4); c.11242G>A, p.Gly3748Ser (NM_201379.3); c.11719G>A, p.Gly3907Ser (NM_201380.4); c.11212G>A, p.Gly3738Ser (NM_201381.3); c.11308G>A, p.Gly3770Ser (NM_201382.4); c.11320G>A, p.Gly3774Ser (NM_201383.3); short protein forms G3748S, G3756S, G3797S, G3738S, G3770S, G3774S, G3907S.
Identifiers: ClinVar variation 1484697 (VCV001484697.7), dbSNP rs1444612790, ClinGen allele CA372491476.

ClinVar aggregate classification (germline): Uncertain significance. Review status: criteria provided, multiple submitters, no conflicts (2 of 4 stars). 2 submissions from 2 submitters: Uncertain significance (2). Last evaluated 2025-12-01.

Conditions:
Epidermolysis bullosa simplex 5B, with muscular dystrophy (EBS5B). Also called: EPIDERMOLYSIS BULLOSA SIMPLEX AND LIMB-GIRDLE MUSCULAR DYSTROPHY; Epidermolysis bullosa simplex with muscular dystrophy. Identifiers: Orphanet 257, MedGen C2931072, MONDO:0009181, OMIM 226670.
Epidermolysis bullosa simplex 5C, with pyloric atresia (EBS5C). Also called: PLEC1-Related Epidermolysis Bullosa with Pyloric Atresia; PLEC-Related Epidermolysis Bullosa with Pyloric Atresia; Epidermolysis bullosa simplex with pyloric atresia. Identifiers: Orphanet 158684, MedGen C2677349, MONDO:0012807, OMIM 612138.
Epidermolysis bullosa simplex, Ogna type (EBS5A). Also called: Pidermolysis bullosa simplex 5A, Ogna type; EPIDERMOLYSIS BULLOSA SIMPLEX 5A, OGNA TYPE. Identifiers: Orphanet 79401, MedGen C0432317, MONDO:0007555, OMIM 131950.
Autosomal recessive limb-girdle muscular dystrophy type 2Q (LGMDR17). Also called: MUSCULAR DYSTROPHY, LIMB-GIRDLE, AUTOSOMAL RECESSIVE 17. Identifiers: Orphanet 254361, MedGen C3150989, MONDO:0013390, OMIM 613723.
Epidermolysis bullosa simplex with nail dystrophy (EBS5D). Identifiers: MedGen C4225309, MONDO:0014661, OMIM 616487.

Allele frequency attached by ClinVar (database versions not stated): gnomAD 0.00001; gnomAD exomes 0.00002; TOPMed 0.00002.
gnomAD v4.1: 31 of 1,606,232 alleles (0.0019%); highest among the groups gnomAD compares: South Asian, 0.0066%; no homozygotes.

Submissions (2):

Labcorp Genetics (formerly Invitae), Labcorp
Classification: Uncertain significance for Autosomal recessive limb-girdle muscular dystrophy type 2Q; Epidermolysis bullosa simplex, Ogna type; Epidermolysis bullosa simplex with nail dystrophy; Epidermolysis bullosa simplex 5C, with pyloric atresia; Epidermolysis bullosa simplex 5B, with muscular dystrophy. Last evaluated: 2025-12-01. Review status: criteria provided, single submitter. Criteria: Invitae Variant Classification Sherloc (09022015). Collection method: clinical testing. Allele origin: germline.
Comment: This sequence change replaces glycine, which is neutral and non-polar, with serine, which is neutral and polar, at codon 3797 of the PLEC protein (p.Gly3797Ser). This variant is not present in population databases (gnomAD no frequency). This variant has not been reported in the literature in individuals affected with PLEC-related conditions. ClinVar contains an entry for this variant (Variation ID: 1484697). An algorithm developed to predict the effect of missense changes on protein structure and function (PolyPhen-2) suggests that this variant is likely to be disruptive. In summary, the available evidence is currently insufficient to determine the role of this variant in disease. Therefore, it has been classified as a Variant of Uncertain Significance.

Revvity Omics, Revvity
Classification: Uncertain significance. Last evaluated: 2024-12-03. Review status: criteria provided, single submitter. Criteria: ACMG Guidelines, 2015. Collection method: clinical testing. Allele origin: germline.